The following is an entry in ClinVar:

NM_000179.3(MSH6):c.3218del (p.Pro1073fs)

Gene: MSH6 (mutS homolog 6; plus strand). Cytogenetic location: 2p16.3.
Variant type: Deletion.
Coding change: c.3218del on transcript NM_000179.3 (MANE Select); coding-DNA position 3218, one base deleted (C; older notation c.3218delC).
Protein change: p.Pro1073fs; shifts the reading frame from proline 1073.
Molecular consequence: frameshift variant.
Genome position (GRCh38, 1-based): chr2:47,803,465, C deleted; the last of 2 consecutive C bases (chr2:47,803,464-47,803,465); deleting either gives the same sequence. VCF-style (leftmost placement, unchanged base first): chr2-47803463-TC-T. GRCh37 (hg19) VCF-style: chr2-48030602-TC-T.
Other names: c.2828del, p.Pro943fs (NM_001281492.2); c.2312del, p.Pro771fs (NM_001281493.2, NM_001281494.2); c.3314delC, p.Pro1105Leufs (NM_001406795.1, NM_001406802.1); c.3218delC, p.Pro1073Leufs (NM_001406796.1, NM_001406800.1, NM_001406808.1 and 1 more transcripts); c.2921delC, p.Pro974Leufs (NM_001406797.1, NM_001406801.1, NM_001406805.1 and 10 more transcripts); c.2693delC, p.Pro898Leufs (NM_001406799.1, NM_001406806.1, NM_001406807.1); c.2354delC, p.Pro785Leufs (NM_001406803.1); c.3140delC, p.Pro1047Leufs (NM_001406804.1); and 7 more; short protein forms P1073fs, P771fs, P943fs.
Identifiers: ClinVar variation 1729010 (VCV001729010.2), dbSNP rs2530760406, ClinGen allele CA2580066970.

ClinVar aggregate classification (germline): Pathogenic (1 of 4 stars; one submission).

Conditions:
Hereditary cancer-predisposing syndrome. Also called: Tumor predisposition; Neoplastic Syndromes, Hereditary; Hereditary Cancer Syndrome; Hereditary neoplastic syndrome. Identifiers: Orphanet 140162, MedGen C0027672, MeSH D009386, MONDO:0015356.

Submission:

Ambry Genetics
Classification: Pathogenic for Hereditary cancer-predisposing syndrome. Last evaluated: 2020-10-05. Review status: criteria provided, single submitter. Criteria: Ambry Variant Classification Scheme 2023. Collection method: clinical testing. Allele origin: germline.
Comment: The c.3218delC pathogenic mutation, located in coding exon 5 of the MSH6 gene, results from a deletion of one nucleotide at nucleotide position 3218, causing a translational frameshift with a predicted alternate stop codon (p.P1073Lfs*6). This alteration is expected to result in loss of function by premature protein truncation or nonsense-mediated mRNA decay. As such, this alteration is interpreted as a disease-causing mutation.